The following is an entry in ClinVar:

NM_004006.3(DMD):c.6986dup (p.Leu2330fs)

Gene: DMD (dystrophin; minus strand). Cytogenetic location: Xp21.1.
Variant type: Duplication.
Coding change: c.6986dup on transcript NM_004006.3 (MANE Select); coding-DNA position 6986, one base duplicated (A; older notation c.6986dupA).
Protein change: p.Leu2330fs; shifts the reading frame from leucine 2330.
Molecular consequence: frameshift variant. On other transcripts: 5 prime UTR variant (5).
Genome position (GRCh38, 1-based): chrX:31,875,300, T duplicated on the plus strand (A on the coding strand, the reverse complement: DMD is on the minus strand); the first of 7 consecutive T bases (chrX:31,875,300-31,875,306); duplicating any one gives the same sequence. VCF-style (leftmost placement, unchanged base first): chrX-31875299-C-CT. GRCh37 (hg19) VCF-style: chrX-31893416-C-CT.
Other names: c.6986dupA (NM_004006.2); c.6962dup, p.Leu2322fs (NM_000109.4); c.6974dup, p.Leu2326fs (NM_004009.3); c.6617dup, p.Leu2207fs (NM_004010.3); c.2963dup, p.Leu989fs (NM_004011.4); c.2954dup, p.Leu986fs (NM_004012.4); c.-395dup (NM_004013.3, NM_004020.4, NM_004021.3 and 2 more transcripts); short protein forms L2207fs, L2326fs, L986fs, L2322fs, L989fs, L2330fs.
Identifiers: ClinVar variation 94754 (VCV000094754.10), dbSNP rs398124040, ClinGen allele CA267126.
Genomic context (GRCh38, chrX:31,875,299, plus strand): 5'-ATTCCTAATAGGAGATAACCACAGCAGCAGATGATTTAACTGCTCTTCAAGGTCTTCAAG[C>CT]TTTTTTTCAAGCTGCCCAAGGTCTTTTATTTGAGCTTCAATTTCTCCTTGTTTCTCAGGT-3'

ClinVar aggregate classification (germline): Pathogenic. Review status: criteria provided, multiple submitters, no conflicts (2 of 4 stars). 5 submissions from 5 submitters: Pathogenic (4). 1 of the submissions does not count toward it. Last evaluated 2023-05-16.

Conditions:
Duchenne muscular dystrophy (DMD). Also called: Duchenne Muscular Dystrophy (DMD); MUSCULAR DYSTROPHY, PSEUDOHYPERTROPHIC PROGRESSIVE, DUCHENNE TYPE. Identifiers: Orphanet 98896, MedGen C0013264, MONDO:0010679, OMIM 310200.

Submissions (5):

Revvity Omics, Revvity
Classification: Pathogenic. Last evaluated: 2023-05-16. Review status: criteria provided, single submitter. Criteria: ACMG Guidelines, 2015. Collection method: clinical testing. Allele origin: germline.

Labcorp Genetics (formerly Invitae), Labcorp
Classification: Pathogenic for Duchenne muscular dystrophy. Last evaluated: 2023-02-25. Review status: criteria provided, single submitter. Criteria: Invitae Variant Classification Sherloc (09022015). Collection method: clinical testing. Allele origin: germline.
Comment: For these reasons, this variant has been classified as Pathogenic. ClinVar contains an entry for this variant (Variation ID: 94754). This variant is also known as 7188–7189insA. This premature translational stop signal has been observed in individual(s) with Duchenne muscular dystrophy (PMID: 12123485, 15643612). This variant is not present in population databases (gnomAD no frequency). This sequence change creates a premature translational stop signal (p.Leu2330Alafs*2) in the DMD gene. It is expected to result in an absent or disrupted protein product. Loss-of-function variants in DMD are known to be pathogenic (PMID: 16770791, 25007885).

Kariminejad - Najmabadi Pathology & Genetics Center
Classification: Pathogenic for Duchenne muscular dystrophy. Last evaluated: 2020-10-04. Review status: criteria provided, single submitter. Criteria: ACMG Guidelines, 2015. Collection method: clinical testing. Allele origin: germline. Inheritance: X-linked inheritance. Affected: yes.
Comment: PVS1 PM2 PP3 PP4 PP5

Athena Diagnostics
Classification: Pathogenic for Duchenne muscular dystrophy. Last evaluated: 2014-09-23. Review status: criteria provided, single submitter. Criteria: Athena Diagnostics Criteria. Collection method: clinical testing. Allele origin: germline. Inheritance: X-linked recessive inheritance.
Comment: X-linked recessive inheritance

OMIM
Classification: Pathogenic for DUCHENNE MUSCULAR DYSTROPHY. Last evaluated: 1994-01-01. Review status: no assertion criteria provided. Collection method: literature only. Allele origin: germline. Not counted in ClinVar's aggregate classification.

Literature cited by the submitters: PubMed 12123485 (cited by Labcorp Genetics (formerly Invitae), Labcorp); PubMed 15643612 (cited by Labcorp Genetics (formerly Invitae), Labcorp and Athena Diagnostics); PubMed 16770791 (cited by Labcorp Genetics (formerly Invitae), Labcorp); PubMed 25007885 (cited by Labcorp Genetics (formerly Invitae), Labcorp); PubMed 19937601 (cited by Athena Diagnostics); PubMed 7951253 (cited by OMIM).